The following is an entry in ClinVar:

ClinVar aggregate classification (germline): Uncertain significance. Review status: criteria provided, multiple submitters, no conflicts (2 of 4 stars). 2 submissions from 2 submitters: Uncertain significance (2). Last evaluated 2022-04-24.

Conditions:
DICER1-related tumor predisposition. Also called: DICER1 syndrome; DICER1-related pleuropulmonary blastoma cancer predisposition syndrome. Identifiers: Orphanet 284343, MedGen C3839822, MONDO:0100216.
Hereditary cancer-predisposing syndrome. Also called: Hereditary neoplastic syndrome; Tumor predisposition; Neoplastic Syndromes, Hereditary; Hereditary Cancer Syndrome. Identifiers: Orphanet 140162, MedGen C0027672, MeSH D009386, MONDO:0015356.

Submissions (2):

Labcorp Genetics (formerly Invitae), Labcorp
Classification: Uncertain significance for DICER1-related tumor predisposition. Last evaluated: 2022-04-24. Review status: criteria provided, single submitter. Criteria: Invitae Variant Classification Sherloc (09022015). Collection method: clinical testing. Allele origin: germline.
Comment: This sequence change replaces proline, which is neutral and non-polar, with threonine, which is neutral and polar, at codon 682 of the DICER1 protein (p.Pro682Thr). This variant is not present in population databases (gnomAD no frequency). This variant has not been reported in the literature in individuals affected with DICER1-related conditions. ClinVar contains an entry for this variant (Variation ID: 960347). Algorithms developed to predict the effect of missense changes on protein structure and function are either unavailable or do not agree on the potential impact of this missense change (SIFT: "Tolerated"; PolyPhen-2: "Probably Damaging"; Align-GVGD: "Class C0"). In summary, the available evidence is currently insufficient to determine the role of this variant in disease. Therefore, it has been classified as a Variant of Uncertain Significance.

Ambry Genetics
Classification: Uncertain significance for Hereditary cancer-predisposing syndrome. Last evaluated: 2022-01-30. Review status: criteria provided, single submitter. Criteria: Ambry Variant Classification Scheme 2023. Collection method: clinical testing. Allele origin: germline.
Comment: The p.P682T variant (also known as c.2044C>A), located in coding exon 12 of the DICER1 gene, results from a C to A substitution at nucleotide position 2044. The proline at codon 682 is replaced by threonine, an amino acid with highly similar properties. This amino acid position is conserved. In addition, this alteration is predicted to be tolerated by in silico analysis. Since supporting evidence is limited at this time, the clinical significance of this alteration remains unclear.

NM_177438.3(DICER1):c.2044C>A (p.Pro682Thr)

Gene: DICER1 (dicer 1, ribonuclease III; minus strand). Cytogenetic location: 14q32.13.
Variant type: single nucleotide variant.
Coding change: c.2044C>A on transcript NM_177438.3 (MANE Select); coding-DNA position 2044, C replaced by A.
Protein change: p.Pro682Thr; replaces proline 682 with threonine.
Molecular consequence: missense variant.
Genome position (GRCh38, 1-based): chr14:95,112,244, G>T on the plus strand (C>A on the coding strand, the complement: DICER1 is on the minus strand). VCF-style: chr14-95112244-G-T. GRCh37 (hg19) VCF-style: chr14-95578581-G-T.
Other names: c.2044C>A, p.Pro682Thr (NM_001195573.1, NM_001271282.3, NM_001291628.2 and 1 more transcripts); short protein forms P682T.
Identifiers: ClinVar variation 960347 (VCV000960347.13), dbSNP rs1892041380, ClinGen allele CA390883139.